The following is an entry in ClinVar:

ClinVar aggregate classification (germline): Benign. Review status: criteria provided, multiple submitters, no conflicts (2 of 4 stars). 3 submissions from 3 submitters: Benign (2). 1 of the submissions does not count toward it. Last evaluated 2020-07-22.

Allele frequency attached by ClinVar (database versions not stated): gnomAD exomes 0.13922 and 0.15145; ExAC 0.15809; gnomAD 0.19288 and 0.19620; ESP Exome Variant Server 0.19332; TOPMed 0.20195; 1000 Genomes Project 0.21006; 1000 Genomes Project 30x 0.21393.
gnomAD v4.1: 233,579 of 1,613,798 alleles (14%); highest among the groups gnomAD compares: African/African-American, 35%; 18,818 homozygotes.

Submissions (3):

GeneDx
Classification: Benign. Last evaluated: 2020-07-22. Review status: criteria provided, single submitter. Criteria: GeneDx Variant Classification Process June 2021. Collection method: clinical testing. Allele origin: germline. Affected: yes.

Breakthrough Genomics
Classification: Benign. Review status: criteria provided, single submitter. Criteria: ACMG Guidelines, 2015. Collection method: not provided. Allele origin: germline. Inheritance: Autosomal recessive inheritance. Affected: yes.

Genetic Services Laboratory, University of Chicago
Classification: Likely benign for AllHighlyPenetrant. Review status: no assertion criteria provided. Collection method: clinical testing. Allele origin: germline. Inheritance: Autosomal dominant inheritance. Not counted in ClinVar's aggregate classification.
Comment: Likely benign based on allele frequency in 1000 Genomes Project or ESP global frequency and its presence in a patient with a rare or unrelated disease phenotype. NOT Sanger confirmed.

NM_017757.3(ZNF407):c.1248T>C (p.Pro416=)

Gene: ZNF407 (zinc finger protein 407; plus strand). Cytogenetic location: 18q22.3.
Variant type: single nucleotide variant.
Coding change: c.1248T>C on transcript NM_017757.3 (MANE Select); coding-DNA position 1248, T replaced by C.
Protein change: p.Pro416=; no amino-acid change (proline 416 retained).
Molecular consequence: synonymous variant.
Genome position (GRCh38, 1-based): chr18:74,632,267, T>C. VCF-style: chr18-74632267-T-C. GRCh37 (hg19) VCF-style: chr18-72344223-T-C.
Other names: c.1248T>C, p.Pro416= (NM_001146189.1, NM_001146190.1, NM_001384475.1).
Identifiers: ClinVar variation 130812 (VCV000130812.8), dbSNP rs3794941, ClinGen allele CA156107.